The following is an entry in ClinVar:

ClinVar aggregate classification (germline): Benign (1 of 4 stars; one submission).

Allele frequency attached by ClinVar (database versions not stated): 1000 Genomes Project 0.51138; TOPMed 0.51274; 1000 Genomes Project 30x 0.50016; gnomAD 0.51780.

Submission:

GeneDx
Classification: Benign. Last evaluated: 2018-06-14. Review status: criteria provided, single submitter. Criteria: GeneDx Variant Classification (06012015). Collection method: clinical testing. Allele origin: germline. Affected: yes.
Comment: This variant is considered likely benign or benign based on one or more of the following criteria: it is a conservative change, it occurs at a poorly conserved position in the protein, it is predicted to be benign by multiple in silico algorithms, and/or has population frequency not consistent with disease.

NM_018127.6(ELAC2):c.-408C>T

Gene: ELAC2 (elaC ribonuclease Z 2; minus strand). Cytogenetic location: 17p12.
Variant type: single nucleotide variant.
Coding change: c.-408C>T on transcript NM_018127.6; 408 bases upstream of the start codon, C replaced by T.
Genome position (GRCh38, 1-based): chr17:13,018,355, G>A on the plus strand (C>T on the coding strand, the complement: ELAC2 is on the minus strand). VCF-style: chr17-13018355-G-A. GRCh37 (hg19) VCF-style: chr17-12921672-G-A.
Identifiers: ClinVar variation 683497 (VCV000683497.3), dbSNP rs2051973, ClinGen allele CA14431156.
Genomic context (GRCh38, chr17:13,018,355, plus strand): 5'-GGAGTTTGGAGTTTCGCTAAAACGCTCCTGTTCTCACCAGATAAGAGCTGTGTCCTCCGG[G>A]CACGTCAGTCCCTCAGAGCTTGAGTTAGAGGTGGTTGTAGTGGTTGTGAGGATTAAATGT-3'